The following is an entry in ClinVar:

NM_000091.5(COL4A3):c.829-6_833del

Genes: COL4A3 (collagen type IV alpha 3 chain; plus strand), MFF-DT (MFF divergent transcript; minus strand). Cytogenetic location: 2q36.3.
Variant type: Deletion.
Coding change: c.829-6_833del on transcript NM_000091.5 (MANE Select); 6 bases into the intron before coding-DNA position 829 through coding-DNA position 833, 11 bases deleted (ATACAGGGACT).
Molecular consequence: splice acceptor variant.
Genome position (GRCh38, 1-based): chr2:227,254,650-227,254,660, ATACAGGGACT deleted. VCF-style (leftmost placement, unchanged base first): chr2-227254649-AATACAGGGACT-A. GRCh37 (hg19) VCF-style: chr2-228119365-AATACAGGGACT-A.
Identifiers: ClinVar variation 4526503 (VCV004526503.1).

ClinVar aggregate classification (germline): Likely pathogenic (1 of 4 stars; one submission).

Conditions:
Autosomal dominant Alport syndrome (ATS3A). Also called: Alport syndrome dominant type; Renal failure and sensorineural hearing loss; ALPORT SYNDROME 3A, AUTOSOMAL DOMINANT. Identifiers: Orphanet 63, Orphanet 88918, MedGen C5882663, MONDO:0007086, OMIM 104200.

Submission:

MVZ Medizinische Genetik Mainz
Classification: Likely pathogenic for Autosomal dominant Alport syndrome. Last evaluated: 2025-10-02. Review status: criteria provided, single submitter. Criteria: UK Practice Guidelines For Variant Classification V4 01 2020. Collection method: clinical testing. Allele origin: germline. Inheritance: Autosomal dominant inheritance. Affected: yes. Observed: 1 variant allele.
Comment: ACMG Criteria: PVS1,PM2_SUP